The following is an entry in ClinVar:

ClinVar aggregate classification (germline): Pathogenic (1 of 4 stars; one submission).

Conditions:
Bardet-Biedl syndrome 3 (BBS3). Identifiers: Orphanet 110, MedGen C1859564, MONDO:0010832, OMIM 600151.
Retinitis pigmentosa 55 (RP55). Identifiers: Orphanet 791, MedGen C3150808, MONDO:0013312, OMIM 613575.

Allele frequency attached by ClinVar (database versions not stated): gnomAD exomes below 0.00001; ExAC 0.00001; gnomAD 0.00001; TOPMed 0.00001.

Submission:

Labcorp Genetics (formerly Invitae), Labcorp
Classification: Pathogenic for Retinitis pigmentosa 55; Bardet-Biedl syndrome 3. Last evaluated: 2023-06-26. Review status: criteria provided, single submitter. Criteria: Invitae Variant Classification Sherloc (09022015). Collection method: clinical testing. Allele origin: germline.
Comment: ClinVar contains an entry for this variant (Variation ID: 2115026). This variant has not been reported in the literature in individuals affected with ARL6-related conditions. This variant is present in population databases (rs754763072, gnomAD 0.007%). This sequence change creates a premature translational stop signal (p.Gln43*) in the ARL6 gene. It is expected to result in an absent or disrupted protein product. Loss-of-function variants in ARL6 are known to be pathogenic (PMID: 15258860, 19858128, 20142850, 22334370, 27486776, 31736247). For these reasons, this variant has been classified as Pathogenic.

Literature cited by the submitters: PubMed 15258860; PubMed 19858128; PubMed 20142850; PubMed 22334370; PubMed 27486776; PubMed 31736247.

NM_001278293.3(ARL6):c.127C>T (p.Gln43Ter)

Gene: ARL6 (ARF like GTPase 6; plus strand). Cytogenetic location: 3q11.2.
Variant type: single nucleotide variant.
Coding change: c.127C>T on transcript NM_001278293.3 (MANE Select); coding-DNA position 127, C replaced by T.
Protein change: p.Gln43Ter; replaces glutamine 43 with a stop codon.
Molecular consequence: nonsense. On other transcripts: non-coding transcript variant (7).
Genome position (GRCh38, 1-based): chr3:97,780,162, C>T. VCF-style: chr3-97780162-C-T. GRCh37 (hg19) VCF-style: chr3-97499006-C-T.
Other names: c.127C>T, p.Gln43Ter (NM_001323513.2, NM_001323514.2, NM_032146.5 and 1 more transcripts); short protein forms Q43*.
Identifiers: ClinVar variation 2115026 (VCV002115026.4), dbSNP rs754763072, ClinGen allele CA2505865.